The following is an entry in ClinVar:

ClinVar aggregate classification (germline): Pathogenic/Likely pathogenic. Review status: criteria provided, multiple submitters, no conflicts (2 of 4 stars). 6 submissions from 6 submitters: Pathogenic (5); Likely pathogenic (1). Last evaluated 2024-04-23.

Conditions:
Morquio syndrome. Also called: Mucopolysaccharidosis, Type IV; MPS IV; Mucopolysaccharidosis type 4; Eccentrochondrodysplasia. Identifiers: Orphanet 582, MedGen C0026707, MONDO:0018938.
Mucopolysaccharidosis, MPS-IV-A (MPS4A). Also called: Mucopolysaccharidosis type IV A; Mucopolysaccharidosis Type IVA; Morquio syndrome A, mild; MORQUIO SYNDROME A; MPS IVA; mucopolysaccharidosis type 4A. Identifiers: Orphanet 309297, Orphanet 582, MedGen C0086651, MONDO:0009659, OMIM 253000.

Submissions (6):

Fulgent Genetics
Classification: Pathogenic for Mucopolysaccharidosis, MPS-IV-A. Last evaluated: 2024-04-23. Review status: criteria provided, single submitter. Criteria: ACMG Guidelines, 2015. Collection method: clinical testing. Allele origin: germline.

Labcorp Genetics (formerly Invitae), Labcorp
Classification: Pathogenic for Mucopolysaccharidosis, MPS-IV-A. Last evaluated: 2023-09-20. Review status: criteria provided, single submitter. Criteria: Invitae Variant Classification Sherloc (09022015). Collection method: clinical testing. Allele origin: germline.
Comment: This variant, c.853_855del, results in the deletion of 1 amino acid(s) of the GALNS protein (p.Phe285del), but otherwise preserves the integrity of the reading frame. This variant is present in population databases (rs768664270, gnomAD 0.004%). This variant has been observed in individual(s) with mucopolysaccharidosis type IVA (PMID: 15241807, 24875751, 29731656). This variant is also known as c.850_852delTTC. For these reasons, this variant has been classified as Pathogenic.

Women's Health and Genetics/Laboratory Corporation of America, LabCorp
Classification: Pathogenic for Morquio syndrome. Last evaluated: 2023-09-18. Review status: criteria provided, single submitter. Criteria: LabCorp Variant Classification Summary - May 2015. Collection method: clinical testing. Allele origin: germline.
Comment: Variant summary: GALNS c.853_855delTTC (p.Phe285del) results in an in-frame deletion that is predicted to remove 1 amino acid from the Sulfatase, N-terminal domain (IPR000917) of the encoded protein. The variant allele was found at a frequency of 1.2e-05 in 241730 control chromosomes (gnomAD). c.853_855delTTC has been reported in the literature in multiple individuals affected with Mucopolysaccharidosis Type IVA (Morquio Syndrome A; Tomatsu_2004, Christiakov_2014, Carciotti_2015), and some were reported as compound heterozygous with other (likely) pathogenic variants. These data indicate that the variant is very likely to be associated with disease. The following publications have been ascertained in the context of this evaluation (PMID: 15241807, 24875751, 25545067). Three submitters have cited clinical-significance assessments for this variant to ClinVar after 2014. All submitters classified the variant as pathogenic/likely pathogenic. Based on the evidence outlined above, the variant was classified as pathogenic.

Institute of Medical Genetics and Applied Genomics, University Hospital Tübingen
Classification: Pathogenic. Last evaluated: 2021-09-15. Review status: criteria provided, single submitter. Criteria: ACMG Guidelines, 2015. Collection method: clinical testing. Allele origin: germline. Inheritance: Autosomal recessive inheritance. Affected: yes.

Laboratory of Medical Genetics, National & Kapodistrian University of Athens
Classification: Pathogenic for Mucopolysaccharidosis, MPS-IV-A. Last evaluated: 2021-08-10. Review status: criteria provided, single submitter. Criteria: ACMG Guidelines, 2015. Collection method: clinical testing. Allele origin: maternal. Affected: yes.
Comment: PM1, PM2, PM5, PP2, PP3, PP5

Laboratory of Diagnosis and Therapy of Lysosomal Disorders, University of Padova
Classification: Likely pathogenic for Mucopolysaccharidosis, MPS-IV-A. Last evaluated: 2021-02-01. Review status: criteria provided, single submitter. Criteria: ACMG Guidelines, 2015. Collection method: curation. Allele origin: germline. Affected: yes.
Comment: In vitro and in vivo functional studies supportive of a damaging effect on the gene product (RNA studies; low to null enzymatic activity in homozygotes; PS3_moderate); the prevalence of the variant in affected individuals is significantly increased compared with the prevalence in controls (PS4_strong); very low frequency in gnomAD v2.1.1 (PM2_moderate); protein length changes as a result of in-frame deletions/insertions in a nonrepeat region or stop-loss variants (PM4_supporting)

Literature cited by the submitters: PubMed 15241807 (cited by 3 submitters); PubMed 24875751 (cited by 3 submitters); PubMed 29731656 (cited by Labcorp Genetics (formerly Invitae), Labcorp and Laboratory of Diagnosis and Therapy of Lysosomal Disorders, University of Padova); PubMed 25545067 (cited by Women's Health and Genetics/Laboratory Corporation of America, LabCorp and Laboratory of Diagnosis and Therapy of Lysosomal Disorders, University of Padova); PubMed 23227063 (cited by Laboratory of Diagnosis and Therapy of Lysosomal Disorders, University of Padova); PubMed 23876334 (cited by Laboratory of Diagnosis and Therapy of Lysosomal Disorders, University of Padova); PubMed 34387910 (cited by Laboratory of Diagnosis and Therapy of Lysosomal Disorders, University of Padova).

NM_000512.5(GALNS):c.850TTC[1] (p.Phe285del)

Gene: GALNS (galactosamine (N-acetyl)-6-sulfatase; minus strand). Cytogenetic location: 16q24.3.
Variant type: Microsatellite.
Coding change: c.850TTC[1] on transcript NM_000512.5 (MANE Select); one copy of the 3-base unit TTC starting at c.850; the reference has two copies in a row; one copy, 3 bases deleted; also written c.853_855del.
Protein change: p.Phe285del; deletes phenylalanine 285.
Molecular consequence: inframe deletion.
Genome position (GRCh38, 1-based): chr16:88,835,256-88,835,258, GAA deleted on the plus strand (TTC on the coding strand, the reverse complement: GALNS is on the minus strand); deleting any 3 consecutive bases within chr16:88,835,256-88,835,263 gives the same sequence; the position shown is the placement nearest the transcript's 3' end. VCF-style (leftmost placement, unchanged base first): chr16-88835255-TGAA-T. GRCh37 (hg19) VCF-style: chr16-88901663-TGAA-T.
Other names: c.853_855del (NM_000512.5); c.295TTC[1], p.Phe100del (NM_001323543.2); c.868TTC[1], p.Phe291del (NM_001323544.2); c.853_855delTTC (NM_000512.4); short protein forms F100del, F285del, F291del.
Identifiers: ClinVar variation 1048423 (VCV001048423.11), dbSNP rs768664270, ClinGen allele CA8234958.